The following is an entry in ClinVar:

NM_031475.3(ESPN):c.1193-53G>A

Gene: ESPN (espin; plus strand). Cytogenetic location: 1p36.31.
Variant type: single nucleotide variant.
Coding change: c.1193-53G>A on transcript NM_031475.3 (MANE Select); 53 bases into the intron before coding-DNA position 1193, G replaced by A.
Molecular consequence: intron variant.
Genome position (GRCh38, 1-based): chr1:6,445,611, G>A. VCF-style: chr1-6445611-G-A. GRCh37 (hg19) VCF-style: chr1-6505671-G-A.
Other names: c.1193-53G>A (NM_001367474.1, NM_001367473.1).
Identifiers: ClinVar variation 683010 (VCV000683010.2), dbSNP rs11121879, ClinGen allele CA17208067.

ClinVar aggregate classification (germline): Benign. Review status: criteria provided, multiple submitters, no conflicts (2 of 4 stars). 2 submissions from 2 submitters: Benign (2). Last evaluated 2018-06-13.

Allele frequency attached by ClinVar (database versions not stated): gnomAD exomes 0.05029; gnomAD 0.06608; TOPMed 0.07261; 1000 Genomes Project 30x 0.09744; 1000 Genomes Project 0.09784.
gnomAD v4.1: 83,189 of 1,589,624 alleles (5.2%); highest among the groups gnomAD compares: East Asian, 16%; 2,823 homozygotes.

Submissions (2):

GeneDx
Classification: Benign. Last evaluated: 2018-06-13. Review status: criteria provided, single submitter. Criteria: GeneDx Variant Classification (06012015). Collection method: clinical testing. Allele origin: germline. Affected: yes.
Comment: This variant is considered likely benign or benign based on one or more of the following criteria: it is a conservative change, it occurs at a poorly conserved position in the protein, it is predicted to be benign by multiple in silico algorithms, and/or has population frequency not consistent with disease.

Breakthrough Genomics
Classification: Benign. Review status: criteria provided, single submitter. Criteria: ACMG Guidelines, 2015. Collection method: not provided. Allele origin: germline. Inheritance: Autosomal recessive inheritance. Affected: yes.